The following is an entry in ClinVar:

ClinVar aggregate classification (germline): Uncertain significance (1 of 4 stars; one submission).

Conditions:
Inborn genetic diseases. Identifiers: MedGen C0950123, MeSH D030342.

Submission:

Ambry Genetics
Classification: Uncertain significance for Inborn genetic diseases. Last evaluated: 2026-06-13. Review status: criteria provided, single submitter. Criteria: Ambry Variant Classification Scheme 2023. Collection method: clinical testing. Allele origin: germline.
Comment: The p.S711P variant (also known as c.2131T>C), located in coding exon 12 of the FANCM gene, results from a T to C substitution at nucleotide position 2131. The serine at codon 711 is replaced by proline, an amino acid with similar properties. This amino acid position is conserved. In addition, this alteration is predicted to be tolerated by in silico analysis. Based on the available evidence, the clinical significance of this variant remains unclear.

NM_020937.4(FANCM):c.2131T>C (p.Ser711Pro)

Gene: FANCM (FA complementation group M; plus strand). Cytogenetic location: 14q21.2.
Variant type: single nucleotide variant.
Coding change: c.2131T>C on transcript NM_020937.4 (MANE Select); coding-DNA position 2131, T replaced by C.
Protein change: p.Ser711Pro; replaces serine 711 with proline.
Molecular consequence: missense variant.
Genome position (GRCh38, 1-based): chr14:45,170,717, T>C. VCF-style: chr14-45170717-T-C. GRCh37 (hg19) VCF-style: chr14-45639920-T-C.
Other names: c.2053T>C, p.Ser685Pro (NM_001308133.2); short protein forms S685P, S711P.
Identifiers: ClinVar variation 4871195 (VCV004871195.1).
Genomic context (GRCh38, chr14:45,170,717, plus strand): 5'-CTTTATAGATTAAGGGACAGTGATGAAATTAAAGAGATAACATTGCCTCAAGTTCAGTTT[T>C]CTTCTTTACAAAATGAGGAAAACAAACCAGTAAGTTGAATATATTTTCAGATGTTCTTTT-3'
Protein context (NP_065988.1, residues 701-721): KEITLPQVQF[Ser711Pro]SLQNEENKPA